The following is an entry in ClinVar:

ClinVar aggregate classification (germline): Likely benign. Review status: criteria provided, multiple submitters, no conflicts (2 of 4 stars). 2 submissions from 2 submitters: Likely benign (2). Last evaluated 2026-01-13.

Conditions:
Familial hemiplegic migraine. Identifiers: MedGen C0338484, MONDO:0000700.

Allele frequency attached by ClinVar (database versions not stated): gnomAD exomes below 0.00001; TOPMed 0.00002; gnomAD 0.00003.
gnomAD v4.1: 3 of 1,613,996 alleles (0.00019%); highest among the groups gnomAD compares: African/African-American, 0.004%; no homozygotes.

Submissions (2):

Labcorp Genetics (formerly Invitae), Labcorp
Classification: Likely benign for Familial hemiplegic migraine. Last evaluated: 2026-01-13. Review status: criteria provided, single submitter. Criteria: Invitae Variant Classification Sherloc (09022015). Collection method: clinical testing. Allele origin: germline.

GeneDx
Classification: Likely benign. Last evaluated: 2017-03-16. Review status: criteria provided, single submitter. Criteria: GeneDx Variant Classification (06012015). Collection method: clinical testing. Allele origin: germline. Affected: yes.
Comment: This variant is considered likely benign or benign based on one or more of the following criteria: it is a conservative change, it occurs at a poorly conserved position in the protein, it is predicted to be benign by multiple in silico algorithms, and/or has population frequency not consistent with disease.

NM_000702.4(ATP1A2):c.2103A>T (p.Gly701=)

Gene: ATP1A2 (ATPase Na+/K+ transporting subunit alpha 2; plus strand). Cytogenetic location: 1q23.2.
Variant type: single nucleotide variant.
Coding change: c.2103A>T on transcript NM_000702.4 (MANE Select); coding-DNA position 2103, A replaced by T.
Protein change: p.Gly701=; no amino-acid change (glycine 701 retained).
Molecular consequence: synonymous variant.
Genome position (GRCh38, 1-based): chr1:160,135,283, A>T. VCF-style: chr1-160135283-A-T. GRCh37 (hg19) VCF-style: chr1-160105073-A-T.
Identifiers: ClinVar variation 517781 (VCV000517781.5), dbSNP rs963491650, ClinGen allele CA31501016.
Genomic context (GRCh38, chr1:160,135,283, plus strand): 5'-CCACACAGAGATCGTCTTTGCTCGAACGTCTCCCCAGCAGAAGCTCATCATTGTGGAGGG[A>T]TGTCAGAGGCAGGTGAGCACAGCCACGGGAGGCAGATGACAGGCAGGGACCGGGGAGGCA-3'
Protein context (NP_000693.1, residues 691-711): SPQQKLIIVE[Gly701=]CQRQGAIVAV